The following is an entry in ClinVar:

NM_005045.4(RELN):c.5717T>C (p.Ile1906Thr)

Gene: RELN (reelin; minus strand). Cytogenetic location: 7q22.1.
Variant type: single nucleotide variant.
Coding change: c.5717T>C on transcript NM_005045.4 (MANE Select); coding-DNA position 5717, T replaced by C.
Protein change: p.Ile1906Thr; replaces isoleucine 1906 with threonine.
Molecular consequence: missense variant.
Genome position (GRCh38, 1-based): chr7:103,557,057, A>G on the plus strand (T>C on the coding strand, the complement: RELN is on the minus strand). VCF-style: chr7-103557057-A-G. GRCh37 (hg19) VCF-style: chr7-103197504-A-G.
Other names: c.5717T>C, p.Ile1906Thr (NM_173054.3); short protein forms I1906T.
Identifiers: ClinVar variation 659640 (VCV000659640.49), dbSNP rs772921952, ClinGen allele CA4421126.
Genomic context (GRCh38, chr7:103,557,057, plus strand): 5'-AGTCTGAATCTTGTAGCATTGGTTTGGGCAGTGTATGGCAAGGGAACATTGATGAAAAGT[A>G]TATTCGTTGTTTGAGGAAAGTAAAATTCATCCATCAGGTGCCAAGTGATTCCTCCACTGA-3'
Protein context (NP_005036.2, residues 1896-1916): DEFYFPQTTN[Ile1906Thr]LFINVPLPYT

ClinVar aggregate classification (germline): Uncertain significance. Review status: criteria provided, multiple submitters, no conflicts (2 of 4 stars). 2 submissions from 2 submitters: Uncertain significance (2). Last evaluated 2024-04-02.

Conditions:
Norman-Roberts syndrome (LIS2). Also called: Lissencephaly 2 (Norman-Roberts type). Identifiers: Orphanet 89844, MedGen C0796089, MONDO:0009760, OMIM 257320.
Familial temporal lobe epilepsy 7. Identifiers: Orphanet 101046, MedGen C4225327, MONDO:0014639, OMIM 616436.

Allele frequency attached by ClinVar (database versions not stated): ExAC 0.00001; gnomAD 0.00001 and 0.00002; gnomAD exomes 0.00001; TOPMed 0.00001.
gnomAD v4.1: 19 of 1,613,574 alleles (0.0012%); highest among the groups gnomAD compares: South Asian, 0.0077%; no homozygotes.

Submissions (2):

Labcorp Genetics (formerly Invitae), Labcorp
Classification: Uncertain significance for Familial temporal lobe epilepsy 7; Norman-Roberts syndrome. Last evaluated: 2024-04-02. Review status: criteria provided, single submitter. Criteria: Invitae Variant Classification Sherloc (09022015). Collection method: clinical testing. Allele origin: germline.
Comment: This sequence change replaces isoleucine, which is neutral and non-polar, with threonine, which is neutral and polar, at codon 1906 of the RELN protein (p.Ile1906Thr). This variant is present in population databases (rs772921952, gnomAD 0.003%). This variant has not been reported in the literature in individuals affected with RELN-related conditions. ClinVar contains an entry for this variant (Variation ID: 659640). Advanced modeling of protein sequence and biophysical properties (such as structural, functional, and spatial information, amino acid conservation, physicochemical variation, residue mobility, and thermodynamic stability) performed at Invitae indicates that this missense variant is not expected to disrupt RELN protein function with a negative predictive value of 80%. In summary, the available evidence is currently insufficient to determine the role of this variant in disease. Therefore, it has been classified as a Variant of Uncertain Significance.

CeGaT Center for Human Genetics Tuebingen
Classification: Uncertain significance. Last evaluated: 2020-07-01. Review status: criteria provided, single submitter. Criteria: CeGaT Center For Human Genetics Tuebingen Variant Classification Criteria Version 2. Collection method: clinical testing. Allele origin: germline. Affected: yes. Observed: 2 variant alleles.